The following is an entry in ClinVar:

NM_001128840.3(CACNA1D):c.3715A>G (p.Ile1239Val)

Gene: CACNA1D (calcium voltage-gated channel subunit alpha1 D; plus strand). Cytogenetic location: 3p21.1.
Variant type: single nucleotide variant.
Coding change: c.3715A>G on transcript NM_001128840.3 (MANE Select); coding-DNA position 3715, A replaced by G.
Protein change: p.Ile1239Val; replaces isoleucine 1239 with valine.
Molecular consequence: missense variant.
Genome position (GRCh38, 1-based): chr3:53,753,611, A>G. VCF-style: chr3-53753611-A-G. GRCh37 (hg19) VCF-style: chr3-53787638-A-G.
Other names: c.3775A>G, p.Ile1259Val (NM_000720.4); c.3715A>G, p.Ile1239Val (NM_001128839.3); short protein forms I1259V, I1239V.
Identifiers: ClinVar variation 4736974 (VCV004736974.1).

ClinVar aggregate classification (germline): Uncertain significance (1 of 4 stars; one submission).

gnomAD v4.1: 2 of 1,613,522 alleles (0.00012%); highest among the groups gnomAD compares: Non-Finnish European, 0.00017%; no homozygotes.

Submission:

Labcorp Genetics (formerly Invitae), Labcorp
Classification: Uncertain significance. Last evaluated: 2025-11-22. Review status: criteria provided, single submitter. Criteria: Invitae Variant Classification Sherloc (09022015). Collection method: clinical testing. Allele origin: germline.
Comment: This sequence change replaces isoleucine, which is neutral and non-polar, with valine, which is neutral and non-polar, at codon 1259 of the CACNA1D protein (p.Ile1259Val). This variant is not present in population databases (gnomAD no frequency). This variant has not been reported in the literature in individuals affected with CACNA1D-related conditions. Invitae Evidence Modeling of protein sequence and biophysical properties (such as structural, functional, and spatial information, amino acid conservation, physicochemical variation, residue mobility, and thermodynamic stability) indicates that this missense variant is not expected to disrupt CACNA1D protein function with a negative predictive value of 80%. In summary, the available evidence is currently insufficient to determine the role of this variant in disease. Therefore, it has been classified as a Variant of Uncertain Significance.